The following is an entry in ClinVar:

ClinVar aggregate classification (germline): Uncertain significance (1 of 4 stars; one submission).

Conditions:
Arrhythmogenic cardiomyopathy with wooly hair and keratoderma. Also called: Carvajal syndrome; PALMOPLANTAR KERATODERMA WITH LEFT VENTRICULAR CARDIOMYOPATHY AND WOOLLY HAIR; Dilated cardiomyopathy with woolly hair and keratoderma; Arrhythmogenic cardiomyopathy with woolly hair and keratoderma. Identifiers: Orphanet 65282, MedGen C1854063, MONDO:0011581, OMIM 605676.

Submission:

All of Us Research Program, National Institutes of Health
Classification: Uncertain significance for Arrhythmogenic cardiomyopathy with wooly hair and keratoderma. Last evaluated: 2024-08-06. Review status: criteria provided, single submitter. Criteria: ACMG Guidelines, 2015. Collection method: clinical testing. Allele origin: germline. Inheritance: Autosomal dominant inheritance. Observed: 1 variant allele, 1 heterozygote.
Comment: This study involves interpretation of variants in research participants for the purpose of population health screening. Participant phenotype was not available at the time of variant classification. Additional details can be found in publication PMID: 35346344, PMCID: PMC8962531

NM_004415.4(DSP):c.1411C>A (p.Gln471Lys)

Gene: DSP (desmoplakin; plus strand). Cytogenetic location: 6p24.3.
Variant type: single nucleotide variant.
Coding change: c.1411C>A on transcript NM_004415.4 (MANE Select); coding-DNA position 1411, C replaced by A.
Protein change: p.Gln471Lys; replaces glutamine 471 with lysine.
Molecular consequence: missense variant.
Genome position (GRCh38, 1-based): chr6:7,568,581, C>A. VCF-style: chr6-7568581-C-A. GRCh37 (hg19) VCF-style: chr6-7568814-C-A.
Other names: c.1411C>A, p.Gln471Lys (NM_001008844.3, NM_001319034.2, NM_001406591.1); short protein forms Q471K.
Identifiers: ClinVar variation 3386630 (VCV003386630.1).